The following is an entry in ClinVar:

ClinVar aggregate classification (germline): Uncertain significance (1 of 4 stars; one submission).

Conditions:
Centromeric instability of chromosomes 1,9 and 16 and immunodeficiency (ICF1). Also called: CENTROMERIC INSTABILITY, IMMUNODEFICIENCY SYNDROME; IMMUNE DEFICIENCY, VARIABLE, WITH CENTROMERIC INSTABILITY OF CHROMOSOMES 1, 9, AND 16; IMMUNODEFICIENCY SYNDROME, VARIABLE; Immunodeficiency-centromeric instability-facial anomalies. Identifiers: Orphanet 2268, MedGen C0398788, MONDO:0000133.

Submission:

Labcorp Genetics (formerly Invitae), Labcorp
Classification: Uncertain significance for Centromeric instability of chromosomes 1,9 and 16 and immunodeficiency. Last evaluated: 2022-07-26. Review status: criteria provided, single submitter. Criteria: Invitae Variant Classification Sherloc (09022015). Collection method: clinical testing. Allele origin: germline.
Comment: This sequence change replaces arginine, which is basic and polar, with leucine, which is neutral and non-polar, at codon 573 of the DNMT3B protein (p.Arg573Leu). Information on the frequency of this variant in the gnomAD database is not available, as this variant may be reported differently in the database. In summary, the available evidence is currently insufficient to determine the role of this variant in disease. Therefore, it has been classified as a Variant of Uncertain Significance. Algorithms developed to predict the effect of missense changes on protein structure and function are either unavailable or do not agree on the potential impact of this missense change (SIFT: "Not Available"; PolyPhen-2: "Probably Damaging"; Align-GVGD: "Not Available"). This variant has not been reported in the literature in individuals affected with DNMT3B-related conditions.

NM_006892.4(DNMT3B):c.1717_1718delinsTT (p.Arg573Leu)

Genes: DNMT3B (DNA methyltransferase 3 beta; plus strand), LOC126863014 (CDK7 strongly-dependent group 2 enhancer GRCh37_chr20:31385992-31387191; plus strand). Cytogenetic location: 20q11.21.
Variant type: Indel.
Coding change: c.1717_1718delinsTT on transcript NM_006892.4 (MANE Select); coding-DNA positions 1717 to 1718, CG replaced by TT.
Protein change: p.Arg573Leu; replaces arginine 573 with leucine.
Molecular consequence: missense variant.
Genome position (GRCh38, 1-based): chr20:32,799,286-32,799,287, CG replaced by TT. VCF-style: chr20-32799286-CG-TT. GRCh37 (hg19) VCF-style: chr20-31387092-CG-TT.
Other names: c.1531_1532delinsTT, p.Arg511Leu (NM_001207055.2); c.1429_1430delinsTT, p.Arg477Leu (NM_001207056.2); c.1657_1658delinsTT, p.Arg553Leu (NM_175848.2, NM_175849.2); c.1693_1694delinsTT, p.Arg565Leu (NM_175850.3); short protein forms R553L, R565L, R573L, R477L, R511L.
Identifiers: ClinVar variation 2092084 (VCV002092084.4), dbSNP rs2515628777, ClinGen allele CA2580098078.